The following is an entry in ClinVar:

ClinVar aggregate classification (germline): Uncertain significance (1 of 4 stars; one submission).

Conditions:
Dilated cardiomyopathy 1W (CMD1W). Identifiers: Orphanet 154, MedGen C1969639, MONDO:0012667, OMIM 611407.

Submission:

Labcorp Genetics (formerly Invitae), Labcorp
Classification: Uncertain significance for Dilated cardiomyopathy 1W. Last evaluated: 2023-06-23. Review status: criteria provided, single submitter. Criteria: Invitae Variant Classification Sherloc (09022015). Collection method: clinical testing. Allele origin: unknown.
Comment: This variant is a gross deletion of the genomic region encompassing exon(s) 11-15 of the VCL gene. This deletion is out-of-frame, and is expected to create a premature translational stop signal and result in an absent or disrupted protein product. However, the current clinical and genetic evidence is not sufficient to establish whether loss-of-function variants in VCL cause disease. This variant has not been reported in the literature in individuals affected with VCL-related conditions. In summary, the available evidence is currently insufficient to determine the role of this variant in disease. Therefore, it has been classified as a Variant of Uncertain Significance.

NC_000010.10:g.(?_75854009)_(75863706_?)del

Gene: VCL (vinculin; plus strand). Cytogenetic location: 10q22.2.
Variant type: Deletion.
Identifiers: ClinVar variation 3244889 (VCV003244889.1).